The following is an entry in ClinVar:

ClinVar aggregate classification (germline): Pathogenic/Likely pathogenic. Review status: criteria provided, multiple submitters, no conflicts (2 of 4 stars). 3 submissions from 3 submitters: Pathogenic (2); Likely pathogenic (1). Last evaluated 2020-08-18.

Conditions:
CRX-related disorders.
Leber congenital amaurosis 7 (LCA7). Identifiers: Orphanet 65, MedGen C3151192, MONDO:0013449, OMIM 613829.
Cone-rod dystrophy 2 (CORD2). Also called: CONE-ROD RETINAL DYSTROPHY; Cone-rod retinal dystrophy 2. Identifiers: Orphanet 1872, MedGen C3489532, MONDO:0007362, OMIM 120970.

Submissions (3):

Labcorp Genetics (formerly Invitae), Labcorp
Classification: Pathogenic for Cone-rod dystrophy 2; Leber congenital amaurosis 7. Last evaluated: 2020-08-18. Review status: criteria provided, single submitter. Criteria: Invitae Variant Classification Sherloc (09022015). Collection method: clinical testing. Allele origin: germline.
Comment: For these reasons, this variant has been classified as Pathogenic. This variant disrupts the region of the CRX protein between p.Arg41 and p.Gln256. This region has been determined to be associated with autosomal dominant CRX-related conditions (PMID: 9427255, 26682157), which suggests that variants that occur in this region are likely to be clinically significant. This variant has not been reported in the literature in individuals with CRX-related conditions. This variant is not present in population databases (ExAC no frequency). This sequence change results in a premature translational stop signal in the CRX gene (p.Pro135Leufs*52). While this is not anticipated to result in nonsense mediated decay, it is expected to disrupt the last 165 amino acids of the CRX protein.

Blueprint Genetics
Classification: Pathogenic for CRX-related disorders. Last evaluated: 2019-08-30. Review status: criteria provided, single submitter. Criteria: ACMG Guidelines, 2015. Collection method: clinical testing. Allele origin: germline. Affected: yes. Observed: 1 variant allele.

CeGaT Center for Human Genetics Tuebingen
Classification: Likely pathogenic. Last evaluated: 2017-01-01. Review status: criteria provided, single submitter. Criteria: CeGaT Center For Human Genetics Tuebingen Variant Classification Criteria Version 2. Collection method: clinical testing. Allele origin: germline. Affected: yes. Observed: 1 variant allele.

Literature cited by the submitters: PubMed 9427255 (cited by Labcorp Genetics (formerly Invitae), Labcorp); PubMed 26682157 (cited by Labcorp Genetics (formerly Invitae), Labcorp).

NM_000554.6(CRX):c.404del (p.Pro135fs)

Gene: CRX (cone-rod homeobox; plus strand). Cytogenetic location: 19q13.33.
Variant type: Deletion.
Coding change: c.404del on transcript NM_000554.6 (MANE Select); coding-DNA position 404, one base deleted (C; older notation c.404delC).
Protein change: p.Pro135fs; shifts the reading frame from proline 135.
Molecular consequence: frameshift variant.
Genome position (GRCh38, 1-based): chr19:47,839,471, C deleted; the last of 3 consecutive C bases (chr19:47,839,469-47,839,471); deleting any one gives the same sequence. VCF-style (leftmost placement, unchanged base first): chr19-47839468-AC-A. GRCh37 (hg19) VCF-style: chr19-48342725-AC-A.
Other names: short protein forms P135fs.
Identifiers: ClinVar variation 425192 (VCV000425192.51), dbSNP rs1064797246, ClinGen allele CA16621742.